The following is an entry in ClinVar:

ClinVar aggregate classification (germline): Uncertain significance. Review status: criteria provided, multiple submitters, no conflicts (2 of 4 stars). 3 submissions from 3 submitters: Uncertain significance (3). Last evaluated 2026-03-23.

Conditions:
CFTR-related disorder (CFTR-RD). Also called: CFTR-related disorders; CFTR-related condition. Identifiers: MedGen C5924204, MONDO:7770004.
Cystic fibrosis (CF). Also called: MUCOVISCIDOSIS. Identifiers: Orphanet 586, MedGen C0010674, MONDO:0009061, OMIM 219700. Disease mechanism: loss of function.

Submissions (3):

Ambry Genetics
Classification: Uncertain significance for Cystic fibrosis. Last evaluated: 2026-03-23. Review status: criteria provided, single submitter. Criteria: Ambry Variant Classification Scheme 2023. Collection method: clinical testing. Allele origin: germline.
Comment: The c.2561_2562delCTinsTG variant (also known as p.T854M), located in coding exon 15 of the CFTR gene, results from an in-frame deletion of CT and insertion of TG at nucleotide positions 2561 to 2562. This results in the substitution of the threonine residue for a methionine residue at codon 854, an amino acid with similar properties. This amino acid position is well conserved in available vertebrate species. In addition, this variant is predicted to be neutral by in silico analysis (Choi Y et al. PLoS ONE. 2012; 7(10):e46688). Based on the available evidence, the clinical significance of this variant remains unclear.

PreventionGenetics, part of Exact Sciences
Classification: Uncertain significance for CFTR-related condition. Last evaluated: 2025-02-09. Review status: criteria provided, single submitter. Criteria: ACMG Guidelines, 2015. Collection method: clinical testing. Allele origin: germline.
Comment: The CFTR c.2561_2562delinsTG variant is predicted to result in an in-frame deletion and insertion. To our knowledge, this variant has not been reported in the literature or in a large population database (gnomAD), indicating this variant is rare. At this time, the clinical significance of this variant is uncertain due to the absence of conclusive functional and genetic evidence.

Eurofins Ntd Llc (ga)
Classification: Uncertain significance. Last evaluated: 2017-01-25. Review status: criteria provided, single submitter. Criteria: EGL Classification Definitions 2015. Collection method: clinical testing. Allele origin: germline. Observed: 1 variant allele, 1 heterozygote.

NM_000492.4(CFTR):c.2561_2562delinsTG (p.Thr854Met)

Gene: CFTR (CF transmembrane conductance regulator; plus strand). Cytogenetic location: 7q31.2.
Variant type: Indel.
Coding change: c.2561_2562delinsTG on transcript NM_000492.4 (MANE Select); coding-DNA positions 2561 to 2562, CT replaced by TG.
Protein change: p.Thr854Met; replaces threonine 854 with methionine.
Molecular consequence: missense variant.
Genome position (GRCh38, 1-based): chr7:117,595,000-117,595,001, CT replaced by TG. VCF-style: chr7-117595000-CT-TG. GRCh37 (hg19) VCF-style: chr7-117235054-CT-TG.
Other names: c.2561_2562delinsTG (NM_000492.3); c.2561_2562delCTinsTG (NM_000492.3); short protein forms T854M.
Identifiers: ClinVar variation 500112 (VCV000500112.7), dbSNP rs1554389814, ClinGen allele CA658797002.